The following is an entry in ClinVar:

NM_030665.4(RAI1):c.1526A>G (p.His509Arg)

Gene: RAI1 (retinoic acid induced 1; plus strand). Cytogenetic location: 17p11.2.
Variant type: single nucleotide variant.
Coding change: c.1526A>G on transcript NM_030665.4 (MANE Select); coding-DNA position 1526, A replaced by G.
Protein change: p.His509Arg; replaces histidine 509 with arginine.
Molecular consequence: missense variant.
Genome position (GRCh38, 1-based): chr17:17,794,474, A>G. VCF-style: chr17-17794474-A-G. GRCh37 (hg19) VCF-style: chr17-17697788-A-G.
Other names: short protein forms H509R.
Identifiers: ClinVar variation 2825135 (VCV002825135.3), dbSNP rs1469027703, ClinGen allele CA398548497.
Genomic context (GRCh38, chr17:17,794,474, plus strand): 5'-CAGCCGAGCCCGCAGGCACACCGCTGTCAGAGCCGCCGAGCAGCACGCCACAGTCCACGC[A>G]TGCGGAGCCGCAGGAGGCCGACTACCTGAGCGGCTCCGAGGACCCACTGGAGCGCAGCTT-3'
Protein context (NP_109590.3, residues 499-519): EPPSSTPQST[His509Arg]AEPQEADYLS

ClinVar aggregate classification (germline): Uncertain significance (1 of 4 stars; one submission).

Allele frequency attached by ClinVar (database versions not stated): gnomAD exomes below 0.00001; TOPMed 0.00002.
gnomAD v4.1: 1 of 1,612,198 alleles (0.000062%); highest among the groups gnomAD compares: Non-Finnish European, 0.000085%; no homozygotes.

Submission:

Labcorp Genetics (formerly Invitae), Labcorp
Classification: Uncertain significance. Last evaluated: 2023-03-08. Review status: criteria provided, single submitter. Criteria: Invitae Variant Classification Sherloc (09022015). Collection method: clinical testing. Allele origin: germline.
Comment: An algorithm developed to predict the effect of missense changes on protein structure and function (PolyPhen-2) suggests that this variant is likely to be disruptive. In summary, the available evidence is currently insufficient to determine the role of this variant in disease. Therefore, it has been classified as a Variant of Uncertain Significance. This variant has not been reported in the literature in individuals affected with RAI1-related conditions. This variant is not present in population databases (gnomAD no frequency). This sequence change replaces histidine, which is basic and polar, with arginine, which is basic and polar, at codon 509 of the RAI1 protein (p.His509Arg).